The following is an entry in ClinVar:

ClinVar aggregate classification (germline): Uncertain significance (1 of 4 stars; one submission).

Allele frequency attached by ClinVar (database versions not stated): gnomAD exomes below 0.00001; ExAC 0.00001; gnomAD 0.00001.
gnomAD v4.1: 16 of 1,614,100 alleles (0.00099%); highest among the groups gnomAD compares: African/African-American, 0.008%; no homozygotes.

Submission:

Labcorp Genetics (formerly Invitae), Labcorp
Classification: Uncertain significance. Last evaluated: 2025-02-10. Review status: criteria provided, single submitter. Criteria: Invitae Variant Classification Sherloc (09022015). Collection method: clinical testing. Allele origin: germline.
Comment: This sequence change replaces isoleucine, which is neutral and non-polar, with valine, which is neutral and non-polar, at codon 845 of the KIAA0753 protein (p.Ile845Val). This variant is present in population databases (rs760591697, gnomAD 0.003%). This variant has not been reported in the literature in individuals affected with KIAA0753-related conditions. ClinVar contains an entry for this variant (Variation ID: 1403423). An algorithm developed to predict the effect of missense changes on protein structure and function (PolyPhen-2) suggests that this variant is likely to be disruptive. In summary, the available evidence is currently insufficient to determine the role of this variant in disease. Therefore, it has been classified as a Variant of Uncertain Significance.

NM_014804.3(KIAA0753):c.2533A>G (p.Ile845Val)

Gene: KIAA0753 (KIAA0753; minus strand). Cytogenetic location: 17p13.1.
Variant type: single nucleotide variant.
Coding change: c.2533A>G on transcript NM_014804.3 (MANE Select); coding-DNA position 2533, A replaced by G.
Protein change: p.Ile845Val; replaces isoleucine 845 with valine.
Molecular consequence: missense variant. On other transcripts: non-coding transcript variant (3).
Genome position (GRCh38, 1-based): chr17:6,590,538, T>C on the plus strand (A>G on the coding strand, the complement: KIAA0753 is on the minus strand). VCF-style: chr17-6590538-T-C. GRCh37 (hg19) VCF-style: chr17-6493858-T-C.
Other names: c.1636A>G, p.Ile546Val (NM_001351225.2); short protein forms I845V, I546V.
Identifiers: ClinVar variation 1403423 (VCV001403423.5), dbSNP rs760591697, ClinGen allele CA8330120.